The following is an entry in ClinVar:

ClinVar aggregate classification (germline): Uncertain significance (1 of 4 stars; one submission).

Conditions:
Deficiency of galactokinase. Also called: Galactokinase deficiency with cataracts; GALACTOSEMIA II. Identifiers: Orphanet 352, Orphanet 79237, MedGen C0268155, MONDO:0009255, OMIM 230200.

gnomAD v4.1: 5 of 1,605,052 alleles (0.00031%); highest among the groups gnomAD compares: Admixed American, 0.0051%; no homozygotes.

Submission:

Labcorp Genetics (formerly Invitae), Labcorp
Classification: Uncertain significance for Deficiency of galactokinase. Last evaluated: 2021-10-25. Review status: criteria provided, single submitter. Criteria: Invitae Variant Classification Sherloc (09022015). Collection method: clinical testing. Allele origin: germline.
Comment: This sequence change replaces arginine with glycine at codon 366 of the GALK1 protein (p.Arg366Gly). The arginine residue is weakly conserved and there is a moderate physicochemical difference between arginine and glycine. This variant is present in population databases (rs536478616, ExAC 0.02%). This variant has not been reported in the literature in individuals with GALK1-related conditions. Algorithms developed to predict the effect of missense changes on protein structure and function (SIFT, PolyPhen-2, Align-GVGD) all suggest that this variant is likely to be tolerated, but these predictions have not been confirmed by published functional studies and their clinical significance is uncertain. In summary, the available evidence is currently insufficient to determine the role of this variant in disease. Therefore, it has been classified as a Variant of Uncertain Significance.

NM_000154.2(GALK1):c.1096C>G (p.Arg366Gly)

Gene: GALK1 (galactokinase 1; minus strand). Cytogenetic location: 17q25.1.
Variant type: single nucleotide variant.
Coding change: c.1096C>G on transcript NM_000154.2 (MANE Select); coding-DNA position 1096, C replaced by G.
Protein change: p.Arg366Gly; replaces arginine 366 with glycine.
Molecular consequence: missense variant.
Genome position (GRCh38, 1-based): chr17:75,758,221, G>C on the plus strand (C>G on the coding strand, the complement: GALK1 is on the minus strand). VCF-style: chr17-75758221-G-C. GRCh37 (hg19) VCF-style: chr17-73754302-G-C.
Other names: c.1096C>G, p.Arg366Gly (NM_001381985.1); short protein forms R366G.
Identifiers: ClinVar variation 1378726 (VCV001378726.3), dbSNP rs536478616, ClinGen allele CA8770742.